The following is an entry in ClinVar:

NM_020971.3(SPTBN4):c.2215G>A (p.Val739Met)

Gene: SPTBN4 (spectrin beta, non-erythrocytic 4; plus strand). Cytogenetic location: 19q13.2.
Variant type: single nucleotide variant.
Coding change: c.2215G>A on transcript NM_020971.3 (MANE Select); coding-DNA position 2215, G replaced by A.
Protein change: p.Val739Met; replaces valine 739 with methionine.
Molecular consequence: missense variant.
Genome position (GRCh38, 1-based): chr19:40,513,004, G>A. VCF-style: chr19-40513004-G-A. GRCh37 (hg19) VCF-style: chr19-41018911-G-A.
Other names: short protein forms V739M.
Identifiers: ClinVar variation 714786 (VCV000714786.7), dbSNP rs112677742, ClinGen allele CA9445836.

ClinVar aggregate classification (germline): Benign. Review status: criteria provided, multiple submitters, no conflicts (2 of 4 stars). 3 submissions from 3 submitters: Benign (2). 1 of the submissions does not count toward it. Last evaluated 2019-12-31.

Conditions:
SPTBN4-related disorder. Also called: SPTBN4-related condition.

Allele frequency attached by ClinVar (database versions not stated): ExAC 0.00052; gnomAD exomes 0.00067 and 0.00075; ESP Exome Variant Server 0.00480; gnomAD 0.00773 and 0.00814; TOPMed 0.00856; 1000 Genomes Project 0.00958; 1000 Genomes Project 30x 0.01140.
gnomAD v4.1: 2,186 of 1,434,528 alleles (0.15%); highest among the groups gnomAD compares: African/African-American, 2.7%; 24 homozygotes.

Submissions (3):

Labcorp Genetics (formerly Invitae), Labcorp
Classification: Benign. Last evaluated: 2019-12-31. Review status: criteria provided, single submitter. Criteria: Invitae Variant Classification Sherloc (09022015). Collection method: clinical testing. Allele origin: germline.

Breakthrough Genomics
Classification: Benign. Review status: criteria provided, single submitter. Criteria: ACMG Guidelines, 2015. Collection method: not provided. Allele origin: germline. Inheritance: Autosomal recessive inheritance. Affected: yes.

PreventionGenetics, part of Exact Sciences
Classification: Benign for SPTBN4-related condition. Last evaluated: 2019-07-16. Review status: no assertion criteria provided. Collection method: clinical testing. Allele origin: germline. Not counted in ClinVar's aggregate classification.
Comment: This variant is classified as benign based on ACMG/AMP sequence variant interpretation guidelines (Richards et al. 2015 PMID: 25741868, with internal and published modifications).